The following is an entry in ClinVar:

ClinVar aggregate classification (germline): Uncertain significance (1 of 4 stars; one submission).

Submission:

GeneDx
Classification: Uncertain significance. Last evaluated: 2024-01-22. Review status: criteria provided, single submitter. Criteria: GeneDx Variant Classification Process June 2021. Collection method: clinical testing. Allele origin: germline. Affected: yes.
Comment: Not observed at significant frequency in large population cohorts (gnomAD); In silico analysis supports that this missense variant has a deleterious effect on protein structure/function; Has not been previously published as pathogenic or benign to our knowledge

NM_016148.5(SHANK1):c.1034C>T (p.Ala345Val)

Gene: SHANK1 (SH3 and multiple ankyrin repeat domains 1; minus strand). Cytogenetic location: 19q13.33.
Variant type: single nucleotide variant.
Coding change: c.1034C>T on transcript NM_016148.5 (MANE Select); coding-DNA position 1034, C replaced by T.
Protein change: p.Ala345Val; replaces alanine 345 with valine.
Molecular consequence: missense variant.
Genome position (GRCh38, 1-based): chr19:50,711,414, G>A on the plus strand (C>T on the coding strand, the complement: SHANK1 is on the minus strand). VCF-style: chr19-50711414-G-A. GRCh37 (hg19) VCF-style: chr19-51214671-G-A.
Other names: short protein forms A345V.
Identifiers: ClinVar variation 3368093 (VCV003368093.1).